The following is an entry in ClinVar:

ClinVar aggregate classification (germline): Uncertain significance. Review status: criteria provided, multiple submitters, no conflicts (2 of 4 stars). 2 submissions from 2 submitters: Uncertain significance (2). Last evaluated 2024-09-23.

Submissions (2):

Blueprint Genetics
Classification: Uncertain significance. Last evaluated: 2024-09-23. Review status: criteria provided, single submitter. Criteria: ACMG Guidelines, 2015. Collection method: clinical testing. Allele origin: germline.

Labcorp Genetics (formerly Invitae), Labcorp
Classification: Uncertain significance. Last evaluated: 2022-11-12. Review status: criteria provided, single submitter. Criteria: Invitae Variant Classification Sherloc (09022015). Collection method: clinical testing. Allele origin: germline.
Comment: This sequence change affects a donor splice site in intron 2 of the DTHD1 gene. It is expected to disrupt RNA splicing. Variants that disrupt the donor or acceptor splice site typically lead to a loss of protein function (PMID: 16199547), however the current clinical and genetic evidence is not sufficient to establish whether loss-of-function variants in DTHD1 cause disease. This variant is not present in population databases (gnomAD no frequency). This variant has not been reported in the literature in individuals affected with DTHD1-related conditions. ClinVar contains an entry for this variant (Variation ID: 1402676). Algorithms developed to predict the effect of sequence changes on RNA splicing suggest that this variant may disrupt the consensus splice site. In summary, the available evidence is currently insufficient to determine the role of this variant in disease. Therefore, it has been classified as a Variant of Uncertain Significance.

Literature cited by the submitters: PubMed 16199547 (cited by Labcorp Genetics (formerly Invitae), Labcorp).

NM_001170700.3(DTHD1):c.1218+1G>A

Gene: DTHD1 (death domain containing 1; plus strand). Cytogenetic location: 4p14.
Variant type: single nucleotide variant.
Coding change: c.1218+1G>A on transcript NM_001170700.3 (MANE Select); the canonical splice donor site of the intron after coding-DNA position 1218, G replaced by A.
Molecular consequence: splice donor variant.
Genome position (GRCh38, 1-based): chr4:36,290,704, G>A. VCF-style: chr4-36290704-G-A. GRCh37 (hg19) VCF-style: chr4-36292326-G-A.
Other names: c.348+1G>A (NM_001136536.5, NM_001378435.1).
Identifiers: ClinVar variation 1402676 (VCV001402676.9), dbSNP rs201876616, ClinGen allele CA356679308.
Genomic context (GRCh38, chr4:36,290,704, plus strand): 5'-AACCTTCAATCAAGTTACCTAAACCCAAATTCACTAGAAGGAATGAAGGGAGGTTATAAG[G>A]TTAGTAAATTCTTGGCTATATCTACATTTGCTGTTTGGCTCCTCTTATAAATATCACTCA-3'